The following is an entry in ClinVar:

ClinVar aggregate classification (germline): Uncertain significance (1 of 4 stars; one submission).

Conditions:
DICER1-related tumor predisposition. Also called: DICER1 syndrome; DICER1-related pleuropulmonary blastoma cancer predisposition syndrome. Identifiers: Orphanet 284343, MedGen C3839822, MONDO:0100216.

Submission:

Labcorp Genetics (formerly Invitae), Labcorp
Classification: Uncertain significance for DICER1-related tumor predisposition. Last evaluated: 2025-11-13. Review status: criteria provided, single submitter. Criteria: Invitae Variant Classification Sherloc (09022015). Collection method: clinical testing. Allele origin: germline.
Comment: This sequence change replaces phenylalanine, which is neutral and non-polar, with valine, which is neutral and non-polar, at codon 1845 of the DICER1 protein (p.Phe1845Val). This variant is not present in population databases (gnomAD no frequency). This variant has not been reported in the literature in individuals affected with DICER1-related conditions. ClinVar contains an entry for this variant (Variation ID: 2013607). Invitae Evidence Modeling of protein sequence and biophysical properties (such as structural, functional, and spatial information, amino acid conservation, physicochemical variation, residue mobility, and thermodynamic stability) indicates that this missense variant is not expected to disrupt DICER1 protein function with a negative predictive value of 95%. In summary, the available evidence is currently insufficient to determine the role of this variant in disease. Therefore, it has been classified as a Variant of Uncertain Significance.

NM_177438.3(DICER1):c.5533T>G (p.Phe1845Val)

Gene: DICER1 (dicer 1, ribonuclease III; minus strand). Cytogenetic location: 14q32.13.
Variant type: single nucleotide variant.
Coding change: c.5533T>G on transcript NM_177438.3 (MANE Select); coding-DNA position 5533, T replaced by G.
Protein change: p.Phe1845Val; replaces phenylalanine 1845 with valine.
Molecular consequence: missense variant. On other transcripts: non-coding transcript variant (6).
Genome position (GRCh38, 1-based): chr14:95,091,104, A>C on the plus strand (T>G on the coding strand, the complement: DICER1 is on the minus strand). VCF-style: chr14-95091104-A-C. GRCh37 (hg19) VCF-style: chr14-95557441-A-C.
Other names: c.5370T>G, p.Ser1790Arg (NM_001195573.1); c.5533T>G, p.Phe1845Val (NM_001271282.3, NM_001291628.2, NM_001395677.1 and 8 more transcripts); c.5251T>G, p.Phe1751Val (NM_001395686.1); c.5128T>G, p.Phe1710Val (NM_001395687.1, NM_001395688.1, NM_001395689.1 and 1 more transcripts); c.4966T>G, p.Phe1656Val (NM_001395691.1); c.3850T>G, p.Phe1284Val (NM_001395697.1); short protein forms F1284V, F1656V, F1710V, F1845V, F1751V, S1790R.
Identifiers: ClinVar variation 2013607 (VCV002013607.4), dbSNP rs2542400713, ClinGen allele CA390864412.